The following is an entry in ClinVar:

ClinVar aggregate classification (germline): Uncertain significance. Review status: criteria provided, multiple submitters, no conflicts (2 of 4 stars). 3 submissions from 3 submitters: Uncertain significance (3). Last evaluated 2024-12-25.

Conditions:
Inborn genetic diseases. Identifiers: MedGen C0950123, MeSH D030342.

Allele frequency attached by ClinVar (database versions not stated): gnomAD 0.00001; gnomAD exomes 0.00002 and 0.00004; ExAC 0.00006.
gnomAD v4.1: 33 of 1,613,868 alleles (0.002%); highest among the groups gnomAD compares: South Asian, 0.033%; 1 homozygote.

Submissions (3):

Ambry Genetics
Classification: Uncertain significance for Inborn genetic diseases. Last evaluated: 2024-12-25. Review status: criteria provided, single submitter. Criteria: Ambry Variant Classification Scheme 2023. Collection method: clinical testing. Allele origin: germline.

Labcorp Genetics (formerly Invitae), Labcorp
Classification: Uncertain significance. Last evaluated: 2024-03-04. Review status: criteria provided, single submitter. Criteria: Invitae Variant Classification Sherloc (09022015). Collection method: clinical testing. Allele origin: germline.
Comment: This sequence change replaces glycine, which is neutral and non-polar, with aspartic acid, which is acidic and polar, at codon 210 of the IMPG2 protein (p.Gly210Asp). This variant is present in population databases (rs766509517, gnomAD 0.04%), including at least one homozygous and/or hemizygous individual. This variant has not been reported in the literature in individuals affected with IMPG2-related conditions. ClinVar contains an entry for this variant (Variation ID: 1060478). Algorithms developed to predict the effect of missense changes on protein structure and function output the following: SIFT: "Not Available"; PolyPhen-2: "Benign"; Align-GVGD: "Not Available". The aspartic acid amino acid residue is found in multiple mammalian species, which suggests that this missense change does not adversely affect protein function. In summary, the available evidence is currently insufficient to determine the role of this variant in disease. Therefore, it has been classified as a Variant of Uncertain Significance.

Blueprint Genetics
Classification: Uncertain significance. Last evaluated: 2022-11-02. Review status: criteria provided, single submitter. Criteria: ACMG Guidelines, 2015. Collection method: clinical testing. Allele origin: germline.

NM_016247.4(IMPG2):c.629G>A (p.Gly210Asp)

Gene: IMPG2 (interphotoreceptor matrix proteoglycan 2; minus strand). Cytogenetic location: 3q12.3.
Variant type: single nucleotide variant.
Coding change: c.629G>A on transcript NM_016247.4 (MANE Select); coding-DNA position 629, G replaced by A.
Protein change: p.Gly210Asp; replaces glycine 210 with aspartic acid.
Molecular consequence: missense variant.
Genome position (GRCh38, 1-based): chr3:101,275,700, C>T on the plus strand (G>A on the coding strand, the complement: IMPG2 is on the minus strand). VCF-style: chr3-101275700-C-T. GRCh37 (hg19) VCF-style: chr3-100994544-C-T.
Other names: c.629G>A (NM_016247.3); short protein forms G210D.
Identifiers: ClinVar variation 1060478 (VCV001060478.10), dbSNP rs766509517, ClinGen allele CA2519423.